The following is an entry in ClinVar:

NM_003476.5(CSRP3):c.544G>C (p.Gly182Arg)

Gene: CSRP3 (cysteine and glycine rich protein 3; minus strand). Cytogenetic location: 11p15.1.
Variant type: single nucleotide variant.
Coding change: c.544G>C on transcript NM_003476.5 (MANE Select); coding-DNA position 544, G replaced by C.
Protein change: p.Gly182Arg; replaces glycine 182 with arginine.
Molecular consequence: missense variant.
Genome position (GRCh38, 1-based): chr11:19,182,711, C>G on the plus strand (G>C on the coding strand, the complement: CSRP3 is on the minus strand). VCF-style: chr11-19182711-C-G. GRCh37 (hg19) VCF-style: chr11-19204258-C-G.
Other names: p.G182R:GGG>CGG; c.375G>C, p.Leu125Phe (NM_001369404.1); c.544G>C (LRG_440t1); short protein forms G182R, L125F.
Identifiers: ClinVar variation 201695 (VCV000201695.19), dbSNP rs111868331, ClinGen allele CA335109.

ClinVar aggregate classification (germline): Uncertain significance. Review status: criteria provided, multiple submitters, no conflicts (2 of 4 stars). 7 submissions from 7 submitters: Uncertain significance (7). Last evaluated 2026-09-21.

Conditions:
CSRP3-related disorder. Also called: CSRP3-related condition; CSRP3-related disorders.
Cardiovascular phenotype. Identifiers: MedGen CN230736.
Dilated cardiomyopathy 1M (CMD1M). Identifiers: Orphanet 154, MedGen C1843808, MONDO:0011840, OMIM 607482.
Hypertrophic cardiomyopathy 12. Identifiers: MedGen C2677491, MONDO:0012804, OMIM 612124.

Allele frequency attached by ClinVar (database versions not stated): gnomAD exomes 0.00003 and 0.00002; gnomAD 0.00011 and 0.00009; TOPMed 0.00014; ESP Exome Variant Server 0.00015; ExAC 0.00003.
gnomAD v4.1: 40 of 1,614,032 alleles (0.0025%); highest among the groups gnomAD compares: African/African-American, 0.045%; no homozygotes.

Submissions (7):

Molecular Diagnostic Laboratory for Inherited Cardiovascular Disease, Montreal Heart Institute
Classification: Uncertain significance for Cardiovascular phenotype. Last evaluated: 2026-09-21. Review status: criteria provided, single submitter. Criteria: ACMG Guidelines, 2015. Collection method: clinical testing. Allele origin: germline. Affected: yes.
Comment: PP3, BS1

PreventionGenetics, part of Exact Sciences
Classification: Uncertain significance for CSRP3-related condition. Last evaluated: 2026-05-14. Review status: criteria provided, single submitter. Criteria: ACMG Guidelines, 2015. Collection method: clinical testing. Allele origin: germline.
Comment: The CSRP3 c.544G>C variant is predicted to result in the amino acid substitution p.Gly182Arg. To our knowledge, this variant has not been reported in the literature. This variant is reported in 0.044% of alleles in individuals of African descent in gnomAD. At this time, the clinical significance of this variant is uncertain due to the absence of conclusive functional and genetic evidence.

Dasa
Classification: Uncertain significance. Last evaluated: 2026-04-08. Review status: criteria provided, single submitter. Criteria: DASA Assertion Criteria. Collection method: clinical testing. Allele origin: germline.
Comment: NM_003476.5(CSRP3):c.544G>C (p.Gly182Arg) is a missense variant that results in the substitution of glycine with arginine. This variant is rare in population databases. Computational prediction algorithms are consistent with a deleterious effect. The currently available literature and clinical evidence are not sufficient to establish a definitive association between this variant and the reported condition. Therefore, this variant is classified as a variant of uncertain significance.

Labcorp Genetics (formerly Invitae), Labcorp
Classification: Uncertain significance for Hypertrophic cardiomyopathy 12; Dilated cardiomyopathy 1M. Last evaluated: 2025-12-03. Review status: criteria provided, single submitter. Criteria: Invitae Variant Classification Sherloc (09022015). Collection method: clinical testing. Allele origin: germline.
Comment: This sequence change replaces glycine, which is neutral and non-polar, with arginine, which is basic and polar, at codon 182 of the CSRP3 protein (p.Gly182Arg). This variant is present in population databases (rs111868331, gnomAD 0.05%). This variant has not been reported in the literature in individuals affected with CSRP3-related conditions. ClinVar contains an entry for this variant (Variation ID: 201695). An algorithm developed to predict the effect of missense changes on protein structure and function (PolyPhen-2) suggests that this variant is likely to be disruptive. Algorithms developed to predict the effect of sequence changes on RNA splicing suggest that this variant may create or strengthen a splice site. In summary, the available evidence is currently insufficient to determine the role of this variant in disease. Therefore, it has been classified as a Variant of Uncertain Significance.

GeneDx
Classification: Uncertain significance. Last evaluated: 2025-09-12. Review status: criteria provided, single submitter. Criteria: GeneDx Variant Classification Process June 2021. Collection method: clinical testing. Allele origin: germline. Affected: yes.
Comment: In silico analysis supports that this missense variant has a deleterious effect on protein structure/function; Has not been previously published as pathogenic or benign to our knowledge

Ambry Genetics
Classification: Uncertain significance for Cardiovascular phenotype. Last evaluated: 2025-08-15. Review status: criteria provided, single submitter. Criteria: Ambry Variant Classification Scheme 2023. Collection method: clinical testing. Allele origin: germline.
Comment: The p.G182R variant (also known as c.544G>C), located in coding exon 5 of the CSRP3 gene, results from a G to C substitution at nucleotide position 544. The glycine at codon 182 is replaced by arginine, an amino acid with dissimilar properties. This amino acid position is highly conserved in available vertebrate species. In addition, this alteration is predicted to be deleterious by in silico analysis. Based on the available evidence, the clinical significance of this variant remains unclear.

Fulgent Genetics
Classification: Uncertain significance for Dilated cardiomyopathy 1M; Hypertrophic cardiomyopathy 12. Last evaluated: 2021-07-26. Review status: criteria provided, single submitter. Criteria: ACMG Guidelines, 2015. Collection method: clinical testing. Allele origin: unknown.